The following is an entry in ClinVar:

NM_001165963.4(SCN1A):c.2468A>T (p.Asp823Val)

Gene: SCN1A (sodium voltage-gated channel alpha subunit 1; minus strand). Cytogenetic location: 2q24.3.
Variant type: single nucleotide variant.
Coding change: c.2468A>T on transcript NM_001165963.4 (MANE Select); coding-DNA position 2468, A replaced by T.
Protein change: p.Asp823Val; replaces aspartic acid 823 with valine.
Molecular consequence: missense variant. On other transcripts: non-coding transcript variant (1).
Genome position (GRCh38, 1-based): chr2:166,039,544, T>A on the plus strand (A>T on the coding strand, the complement: SCN1A is on the minus strand). VCF-style: chr2-166039544-T-A. GRCh37 (hg19) VCF-style: chr2-166896054-T-A.
Other names: c.2384A>T, p.Asp795Val (NM_001165964.3, NM_001353957.2, NM_001353958.2); c.2468A>T, p.Asp823Val (NM_001202435.3, NM_001353948.2); c.2435A>T, p.Asp812Val (NM_001353949.2, NM_001353950.2, NM_001353951.2 and 2 more transcripts); c.2432A>T, p.Asp811Val (NM_001353954.2, NM_001353955.2); c.2381A>T, p.Asp794Val (NM_001353960.2); c.26A>T, p.Asp9Val (NM_001353961.2); short protein forms D794V, D795V, D811V, D812V, D823V, D9V.
Identifiers: ClinVar variation 4531780 (VCV004531780.1).

ClinVar aggregate classification (germline): Likely pathogenic (1 of 4 stars; one submission).

Conditions:
Developmental and epileptic encephalopathy, 6A. Also called: SCN1A-Related Severe Myoclonic Epilepsy in Infancy; Developmental and epileptic encephalopathy, 6; Early Infantile Epileptic Encephalopathy 6. Identifiers: MedGen CN293401, MONDO:0100079.

Submission:

Victorian Clinical Genetics Services, Murdoch Childrens Research Institute
Classification: Likely pathogenic for Developmental and epileptic encephalopathy, 6A. Last evaluated: 2024-10-10. Review status: criteria provided, single submitter. Criteria: ACMG Guidelines, 2015. Collection method: clinical testing. Allele origin: germline. Affected: yes.
Comment: This variant is classified as Likely pathogenic. Evidence in support of pathogenic classification: Variant is absent from gnomAD (v2, v3 and v4); Missense variant consistently predicted to be damaging by in silico tool or highly conserved with a major amino acid change; Additional information: Variant is predicted to result in a missense amino acid change from aspartic acid to valine; This variant is heterozygous; This gene is associated with autosomal dominant disease; Multiple alternative amino acid changes at the same position have been observed in gnomAD (v4: 3 heterozygote(s), 0 homozygote(s)); This variant has no previous evidence of pathogenicity; No published segregation evidence has been identified for this variant; No published functional evidence has been identified for this variant; Another missense variant comparable to the one identified in this case has inconclusive previous evidence for pathogenicity. p.(Asp823Gly) has been classified as a VUS in ClinVar by a clinical laboratory; Variant is located in the annotated Ion_trans family domain (DECIPHER); Loss of function and gain of function are known mechanisms of disease in this gene and are associated with SCN1A-related epilepsy (PMID: 28488083); The condition associated with this gene has incomplete penetrance. Penetrance has been noted to vary by phenotype (PMID: 20301494); Variants in this gene are known to have variable expressivity. Both intrafamilial and interfamilial variability have been observed (PMID: 20301494).

Literature cited by the submitters: PubMed 28488083; PubMed 20301494.